The following is an entry in ClinVar:

NM_005862.3(STAG1):c.1082G>T (p.Arg361Ile)

Gene: STAG1 (STAG1 cohesin complex component; minus strand). Cytogenetic location: 3q22.3.
Variant type: single nucleotide variant.
Coding change: c.1082G>T on transcript NM_005862.3 (MANE Select); coding-DNA position 1082, G replaced by T.
Protein change: p.Arg361Ile; replaces arginine 361 with isoleucine.
Molecular consequence: missense variant.
Genome position (GRCh38, 1-based): chr3:136,473,582, C>A on the plus strand (G>T on the coding strand, the complement: STAG1 is on the minus strand). VCF-style: chr3-136473582-C-A. GRCh37 (hg19) VCF-style: chr3-136192424-C-A.
Other names: short protein forms R361I.
Identifiers: ClinVar variation 1805625 (VCV001805625.2), dbSNP rs1225848277, ClinGen allele CA354651866.
Genomic context (GRCh38, chr3:136,473,582, plus strand): 5'-TCATTCTTGATGCTTACCTTGAATCGGTTAGTGAATAGTTCCAATTTGGGGAATAATTCT[C>A]TATTGGTATATAGACTCTGCAGAGCTTTCAAACACTTCAGCCTGACTTCCCCTTGCTTCA-3'
Protein context (NP_005853.2, residues 351-371): LKALQSLYTN[Arg361Ile]ELFPKLELFT

ClinVar aggregate classification (germline): Conflicting classifications of pathogenicity. Review status: criteria provided, conflicting classifications (1 of 4 stars). 2 submissions from 2 submitters: Uncertain significance (1); Likely benign (1). Last evaluated 2026-05-10.

Conditions:
Inborn genetic diseases. Identifiers: MedGen C0950123, MeSH D030342.
Intellectual developmental disorder, autosomal dominant 47. Also called: MENTAL RETARDATION, AUTOSOMAL DOMINANT 47; Intellectual disability, autosomal dominant 47. Identifiers: Orphanet 502434, MedGen C4539951, MONDO:0030912, OMIM 617635.

Allele frequency attached by ClinVar (database versions not stated): gnomAD 0.00001.
gnomAD v4.1: 39 of 1,612,390 alleles (0.0024%); highest among the groups gnomAD compares: Non-Finnish European, 0.0032%; no homozygotes.

Submissions (2):

Ambry Genetics
Classification: Uncertain significance for Inborn genetic diseases. Last evaluated: 2026-05-10. Review status: criteria provided, single submitter. Criteria: Ambry Variant Classification Scheme 2023. Collection method: clinical testing. Allele origin: germline.

Victorian Clinical Genetics Services, Murdoch Childrens Research Institute
Classification: Likely benign for Intellectual developmental disorder, autosomal dominant 47. Last evaluated: 2022-09-02. Review status: criteria provided, single submitter. Criteria: ACMG Guidelines, 2015. Collection method: clinical testing. Allele origin: germline. Inheritance: Autosomal dominant inheritance.
Comment: Based on the classification scheme VCGS_Germline_v1.1.1, this variant is classified as Likely Benign Following criteria are met: 0102 – Loss-of-function is a likely mechanism of disease for this gene. (N) 0107 – This gene is known to be associated with autosomal dominant disease. (N) 0200 – Variant is predicted to result in a missense amino acid change from arginine to isoleucine (exon 11). (N) 0251 – Variant is heterozygous. (N) 0308 – Population frequency for this variant is out of keeping with disease (2 Heterozygotes, 0 Homozygotes; v2). (B) 0309 – Two alternative amino acid changes at the same position has been observed in gnomAD (1 Heterozygote, 0 Homozygotes; v2). (N) 0502 – Missense variant with conflicting in-silico predictions and/or uninformative conservation. (N) 0600 – Variant is located in an annotated motif. (SCD motif; PDB) (N) 0705 – No comparable variants have previous evidence for pathogenicity. (N) 0807 – Variant has not previously been reported in a clinical context. (N) 0905 – No segregation evidence has been identified for this variant. (N) 1007 – No published functional evidence has been identified for this variant. (N) Legend: (P) - Pathogenic, (N) - Neutral, (B) - Benign